The following is an entry in ClinVar:

ClinVar aggregate classification (germline): Uncertain significance (1 of 4 stars; one submission).

gnomAD v4.1: 14 of 1,599,912 alleles (0.00088%); highest among the groups gnomAD compares: South Asian, 0.015%; no homozygotes.

Submission:

Center for Genomic Medicine, Rigshospitalet, Copenhagen University Hospital
Classification: Uncertain significance. Last evaluated: 2025-12-29. Review status: criteria provided, single submitter. Criteria: ACMG Guidelines, 2015. Collection method: clinical testing. Allele origin: germline.
Comment: Classification criteria: PP3

NM_001040108.2(MLH3):c.3817A>G (p.Arg1273Gly)

Gene: MLH3 (mutL homolog 3; minus strand). Cytogenetic location: 14q24.3.
Variant type: single nucleotide variant.
Coding change: c.3817A>G on transcript NM_001040108.2 (MANE Select); coding-DNA position 3817, A replaced by G.
Protein change: p.Arg1273Gly; replaces arginine 1273 with glycine.
Molecular consequence: missense variant.
Genome position (GRCh38, 1-based): chr14:75,032,078, T>C on the plus strand (A>G on the coding strand, the complement: MLH3 is on the minus strand). VCF-style: chr14-75032078-T-C. GRCh37 (hg19) VCF-style: chr14-75498781-T-C.
Other names: c.3745A>G, p.Arg1249Gly (NM_014381.3); short protein forms R1249G, R1273G.
Identifiers: ClinVar variation 4539112 (VCV004539112.1).
Genomic context (GRCh38, chr14:75,032,078, plus strand): 5'-TATTGTGAGAATTGATACCATCAACATCACATTCTCATGGTGGTACTGACCATAAGAGTC[T>C]CCTTTGTTCCTCTGTCACTGTTATCTCTAGCGGAGGAATTAGAGTAGAAGACAGTAATTT-3'
Protein context (NP_001035197.1, residues 1263-1283): LEITVTEEQR[Arg1273Gly]LLWCYHKNLE